The following is an entry in ClinVar:

ClinVar aggregate classification (germline): Uncertain significance (1 of 4 stars; one submission).

Submission:

Labcorp Genetics (formerly Invitae), Labcorp
Classification: Uncertain significance. Last evaluated: 2025-03-04. Review status: criteria provided, single submitter. Criteria: Invitae Variant Classification Sherloc (09022015). Collection method: clinical testing. Allele origin: germline.
Comment: This sequence change replaces histidine, which is basic and polar, with proline, which is neutral and non-polar, at codon 230 of the ANKZF1 protein (p.His230Pro). This variant is not present in population databases (gnomAD no frequency). This variant has not been reported in the literature in individuals affected with ANKZF1-related conditions. An algorithm developed to predict the effect of missense changes on protein structure and function (PolyPhen-2) suggests that this variant is likely to be disruptive. In summary, the available evidence is currently insufficient to determine the role of this variant in disease. Therefore, it has been classified as a Variant of Uncertain Significance.

NM_018089.3(ANKZF1):c.689A>C (p.His230Pro)

Gene: ANKZF1 (ankyrin repeat and zinc finger peptidyl tRNA hydrolase 1; plus strand). Cytogenetic location: 2q35.
Variant type: single nucleotide variant.
Coding change: c.689A>C on transcript NM_018089.3 (MANE Select); coding-DNA position 689, A replaced by C.
Protein change: p.His230Pro; replaces histidine 230 with proline.
Molecular consequence: missense variant.
Genome position (GRCh38, 1-based): chr2:219,233,303, A>C. VCF-style: chr2-219233303-A-C. GRCh37 (hg19) VCF-style: chr2-220098025-A-C.
Other names: c.689A>C, p.His230Pro (NM_001042410.2); c.59A>C, p.His20Pro (NM_001282792.2); short protein forms H20P, H230P.
Identifiers: ClinVar variation 4798536 (VCV004798536.1).
Genomic context (GRCh38, chr2:219,233,303, plus strand): 5'-GAGCACCAGCTGGTCTCCAGTACTGAGTCTGTGCTGTCTACAGAAGAGAAGTGGTGACAC[A>C]CAAAACTTTTCACCGCTATACGGTTCGGGCCAAGCGGGGCACAGCCCAGGGGCTTCGGGA-3'
Protein context (NP_060559.2, residues 220-240): AIFQGREVVT[His230Pro]KTFHRYTVRA